The following is an entry in ClinVar:

ClinVar aggregate classification (germline): Likely benign. Review status: criteria provided, multiple submitters, no conflicts (2 of 4 stars). 4 submissions from 4 submitters: Likely benign (4). Last evaluated 2025-03-22.

Conditions:
Autosomal recessive limb-girdle muscular dystrophy type 2J (LGMDR10). Also called: Limb-girdle muscular dystrophy, type 2J; MUSCULAR DYSTROPHY, LIMB-GIRDLE, AUTOSOMAL RECESSIVE 10. Identifiers: Orphanet 140922, MedGen C1837342, MONDO:0012127, OMIM 608807.
Dilated cardiomyopathy 1G (CMD1G). Identifiers: Orphanet 154, MedGen C1858763, MONDO:0011400, OMIM 604145.
Cardiovascular phenotype. Identifiers: MedGen CN230736.

Allele frequency attached by ClinVar (database versions not stated): gnomAD exomes below 0.00001 and 0.00001; gnomAD 0.00003 and 0.00004; TOPMed 0.00003.
gnomAD v4.1: 25 of 1,614,026 alleles (0.0015%); highest among the groups gnomAD compares: African/African-American, 0.004%; no homozygotes.

Submissions (4):

Labcorp Genetics (formerly Invitae), Labcorp
Classification: Likely benign for Dilated cardiomyopathy 1G; Autosomal recessive limb-girdle muscular dystrophy type 2J. Last evaluated: 2025-03-22. Review status: criteria provided, single submitter. Criteria: Invitae Variant Classification Sherloc (09022015). Collection method: clinical testing. Allele origin: germline.

Blueprint Genetics
Classification: Likely benign. Last evaluated: 2024-05-13. Review status: criteria provided, single submitter. Criteria: ACMG Guidelines, 2015. Collection method: clinical testing. Allele origin: germline.

Ambry Genetics
Classification: Likely benign for Cardiovascular phenotype. Last evaluated: 2022-09-19. Review status: criteria provided, single submitter. Criteria: Ambry Variant Classification Scheme 2023. Collection method: clinical testing. Allele origin: germline.

GeneDx
Classification: Likely benign. Last evaluated: 2018-01-11. Review status: criteria provided, single submitter. Criteria: GeneDx Variant Classification (06012015). Collection method: clinical testing. Allele origin: germline. Affected: yes.
Comment: This variant is considered likely benign or benign based on one or more of the following criteria: it is a conservative change, it occurs at a poorly conserved position in the protein, it is predicted to be benign by multiple in silico algorithms, and/or has population frequency not consistent with disease.

NM_001267550.2(TTN):c.4764A>G (p.Val1588=)

Genes: TTN (titin; minus strand), LOC101927055 (uncharacterized LOC101927055; plus strand). Cytogenetic location: 2q31.2.
Variant type: single nucleotide variant.
Coding change: c.4764A>G on transcript NM_001267550.2 (MANE Select); coding-DNA position 4764, A replaced by G.
Protein change: p.Val1588=; no amino-acid change (valine 1588 retained).
Molecular consequence: synonymous variant. On other transcripts: non-coding transcript variant (1).
Genome position (GRCh38, 1-based): chr2:178,777,199, T>C on the plus strand (A>G on the coding strand, the complement: TTN is on the minus strand). VCF-style: chr2-178777199-T-C. GRCh37 (hg19) VCF-style: chr2-179641926-T-C.
Other names: c.4764A>G, p.Val1588= (NM_001256850.1, NM_133378.4, NM_133379.5); c.4626A>G, p.Val1542= (NM_003319.4, NM_133432.3, NM_133437.4).
Identifiers: ClinVar variation 514702 (VCV000514702.13), dbSNP rs1410819176, ClinGen allele CA430281298.
Genomic context (GRCh38, chr2:178,777,199, plus strand): 5'-CCATACTTACCTGATTTTGGGATATTTATGAGGCACAATGATGTCACTGTTTTTCAACCA[T>C]ACAATGTCAGGGTTGGGGTTACCCGTAGCTCTGACTTTCATTTCAAGTCGGGAACCTTCC-3'
Protein context (NP_001254479.2, residues 1578-1598): RATGNPNPDI[Val1588=]WLKNSDIIVP